The following is an entry in ClinVar:

ClinVar aggregate classification (germline): Likely benign (1 of 4 stars; one submission).

Allele frequency attached by ClinVar (database versions not stated): gnomAD exomes 0.00001; TOPMed 0.00002; gnomAD 0.00003.
gnomAD v4.1: 12 of 1,602,070 alleles (0.00075%); highest among the groups gnomAD compares: African/African-American, 0.014%; no homozygotes.

Submission:

GeneDx
Classification: Likely benign. Last evaluated: 2017-10-26. Review status: criteria provided, single submitter. Criteria: GeneDx Variant Classification (06012015). Collection method: clinical testing. Allele origin: germline. Affected: yes.
Comment: This variant is considered likely benign or benign based on one or more of the following criteria: it is a conservative change, it occurs at a poorly conserved position in the protein, it is predicted to be benign by multiple in silico algorithms, and/or has population frequency not consistent with disease.

NM_203447.4(DOCK8):c.-12C>T

Genes: DOCK8 (dedicator of cytokinesis 8; plus strand), DOCK8-AS1 (DOCK8 antisense RNA 1; minus strand). Cytogenetic location: 9p24.3.
Variant type: single nucleotide variant.
Coding change: c.-12C>T on transcript NM_203447.4 (MANE Select); 12 bases upstream of the start codon, C replaced by T.
Molecular consequence: 5 prime UTR variant. On other transcripts: non-coding transcript variant (1).
Genome position (GRCh38, 1-based): chr9:214,965, C>T. VCF-style: chr9-214965-C-T. GRCh37 (hg19) VCF-style: chr9-214965-C-T.
Identifiers: ClinVar variation 512917 (VCV000512917.1), dbSNP rs769683861, ClinGen allele CA4956893.